The following is an entry in ClinVar:

ClinVar aggregate classification (germline): Likely pathogenic (1 of 4 stars; one submission).

Conditions:
Neurodevelopmental disorder with or without autism or seizures (NEDAUS). Identifiers: MedGen C5543225, MONDO:0030994, OMIM 619239.

Submission:

3billion
Classification: Likely pathogenic for Neurodevelopmental disorder with or without autism or seizures. Last evaluated: 2025-12-01. Review status: criteria provided, single submitter. Criteria: ACMG Guidelines, 2015. Collection method: clinical testing. Allele origin: germline. Affected: yes.
Comment: The variant is not observed in the gnomAD v4.1.0 dataset. Predicted Consequence/Location: Frameshift: predicted to result in a loss or disruption of normal protein function through nonsense-mediated decay (NMD) or protein truncation. Multiple pathogenic variants are reported downstream of the variant. Therefore, this variant is classified as Likely pathogenic according to the recommendation of ACMG/AMP guideline.

NM_003590.5(CUL3):c.572_577delinsA (p.Met191fs)

Gene: CUL3 (cullin 3; minus strand). Cytogenetic location: 2q36.2.
Variant type: Indel.
Coding change: c.572_577delinsA on transcript NM_003590.5 (MANE Select); coding-DNA positions 572 to 577, TGATTT replaced by A.
Protein change: p.Met191fs; shifts the reading frame from methionine 191.
Molecular consequence: frameshift variant.
Genome position (GRCh38, 1-based): chr2:224,513,601-224,513,606, AAATCA replaced by T on the plus strand (TGATTT replaced by A on the coding strand, the reverse complement: CUL3 is on the minus strand). VCF-style: chr2-224513601-AAATCA-T. GRCh37 (hg19) VCF-style: chr2-225378318-AAATCA-T.
Other names: c.374_379delinsA, p.Met125fs (NM_001257197.2); c.590_595delinsA, p.Met197fs (NM_001257198.2); short protein forms M125fs, M191fs, M197fs.
Identifiers: ClinVar variation 4853893 (VCV004853893.1).